The following is an entry in ClinVar:

NM_001029883.3(PCARE):c.3021G>T (p.Lys1007Asn)

Gene: PCARE (photoreceptor cilium actin regulator; minus strand). Cytogenetic location: 2p23.2.
Variant type: single nucleotide variant.
Coding change: c.3021G>T on transcript NM_001029883.3 (MANE Select); coding-DNA position 3021, G replaced by T.
Protein change: p.Lys1007Asn; replaces lysine 1007 with asparagine.
Molecular consequence: missense variant.
Genome position (GRCh38, 1-based): chr2:29,071,241, C>A on the plus strand (G>T on the coding strand, the complement: PCARE is on the minus strand). VCF-style: chr2-29071241-C-A. GRCh37 (hg19) VCF-style: chr2-29294107-C-A.
Other names: c.3021G>T (NM_001029883.2); short protein forms K1007N.
Identifiers: ClinVar variation 1361798 (VCV001361798.6), dbSNP rs768648796, ClinGen allele CA1592050.

ClinVar aggregate classification (germline): Uncertain significance. Review status: criteria provided, multiple submitters, no conflicts (2 of 4 stars). 2 submissions from 2 submitters: Uncertain significance (2). Last evaluated 2023-06-05.

Conditions:
PCARE-related disorder. Also called: PCARE-related condition.

Allele frequency attached by ClinVar (database versions not stated): TOPMed 0.00001.
gnomAD v4.1: 4 of 1,612,682 alleles (0.00025%); highest among the groups gnomAD compares: Admixed American, 0.0067%; no homozygotes.

Submissions (2):

PreventionGenetics, part of Exact Sciences
Classification: Uncertain significance for PCARE-related condition. Last evaluated: 2023-06-05. Review status: criteria provided, single submitter. Criteria: ACMG Guidelines, 2015. Collection method: clinical testing. Allele origin: germline.
Comment: The PCARE c.3021G>T variant is predicted to result in the amino acid substitution p.Lys1007Asn. To our knowledge, this variant has not been reported in the literature. This variant is reported in 0.0087% of alleles in individuals of Latino descent in gnomAD. At this time, the clinical significance of this variant is uncertain due to the absence of conclusive functional and genetic evidence.

Labcorp Genetics (formerly Invitae), Labcorp
Classification: Uncertain significance. Last evaluated: 2022-10-17. Review status: criteria provided, single submitter. Criteria: Invitae Variant Classification Sherloc (09022015). Collection method: clinical testing. Allele origin: germline.
Comment: In summary, the available evidence is currently insufficient to determine the role of this variant in disease. Therefore, it has been classified as a Variant of Uncertain Significance. Algorithms developed to predict the effect of missense changes on protein structure and function (SIFT, PolyPhen-2, Align-GVGD) all suggest that this variant is likely to be disruptive. ClinVar contains an entry for this variant (Variation ID: 1361798). This variant has not been reported in the literature in individuals affected with PCARE-related conditions. This variant is present in population databases (rs768648796, gnomAD 0.009%). This sequence change replaces lysine, which is basic and polar, with asparagine, which is neutral and polar, at codon 1007 of the PCARE protein (p.Lys1007Asn).